The following is an entry in ClinVar:

NM_003002.4(SDHD):c.112C>A (p.Arg38=)

Gene: SDHD (succinate dehydrogenase complex subunit D; plus strand). Cytogenetic location: 11q23.1.
Variant type: single nucleotide variant.
Coding change: c.112C>A on transcript NM_003002.4 (MANE Select); coding-DNA position 112, C replaced by A.
Protein change: p.Arg38=; no amino-acid change (arginine 38 retained).
Molecular consequence: synonymous variant. On other transcripts: non-coding transcript variant (1), intron variant (1).
Genome position (GRCh38, 1-based): chr11:112,087,916, C>A. VCF-style: chr11-112087916-C-A. GRCh37 (hg19) VCF-style: chr11-111958640-C-A.
Other names: c.112C>A, p.Arg38= (NM_001276503.2, NM_001276506.2); c.53-951C>A (NM_001276504.2).
Identifiers: ClinVar variation 1727862 (VCV001727862.7), dbSNP rs80338843, ClinGen allele CA476789550.
Genomic context (GRCh38, chr11:112,087,916, plus strand): 5'-GCTCTGTTGCTTCGAACTCCAGTGGTCAGACCTGCTCATATCTCAGCATTTCTTCAGGAC[C>A]GACCTATCCCAGAATGGTGTGGAGTGCAGCACATACACTTGTCACCGAGCCACCATTGTA-3'
Protein context (NP_002993.1, residues 28-48): PAHISAFLQD[Arg38=]PIPEWCGVQH

ClinVar aggregate classification (germline): Benign/Likely benign. Review status: criteria provided, multiple submitters, no conflicts (2 of 4 stars). 4 submissions from 4 submitters: Benign (1); Likely benign (3). Last evaluated 2025-05-19.

Conditions:
Pheochromocytoma/paraganglioma syndrome 1. Also called: PARAGANGLIOMAS, FAMILIAL NONCHROMAFFIN, 1; PGL 1; Paragangliomas familial 1; PARAGANGLIOMATA; Paragangliomas 1; Glomus tumors familial 1. Identifiers: Orphanet 29072, MedGen C3494181, MONDO:0008192, OMIM 168000.
Hereditary cancer-predisposing syndrome. Also called: Neoplastic Syndromes, Hereditary; Tumor predisposition; Hereditary Cancer Syndrome; Hereditary neoplastic syndrome. Identifiers: Orphanet 140162, MedGen C0027672, MeSH D009386, MONDO:0015356.
Hereditary pheochromocytoma and paraganglioma. Also called: Hereditary pheochromocytoma-paraganglioma; Hereditary paragangliomas and pheochromocytomas; Hereditary Paraganglioma-Pheochromocytoma Syndromes. Identifiers: Orphanet 29072, MedGen C4274332, MONDO:0017366.
Paragangliomas with sensorineural hearing loss. Identifiers: MedGen C1868633.
Pheochromocytoma. Also called: MAX-Related Hereditary Paraganglioma-Pheochromocytoma Syndrome. Identifiers: Orphanet 29072, MedGen C0031511, MONDO:0008233, OMIM 171300, HP:0002666.
Carney-Stratakis syndrome. Also called: PARAGANGLIOMA AND GASTROINTESTINAL STROMAL TUMOR. Identifiers: Orphanet 97286, MedGen C1847319, MONDO:0011740, OMIM 606864.
Cowden syndrome 3 (CWS3). Identifiers: Orphanet 201, MedGen CN166604, MONDO:0014045.

Allele frequency attached by ClinVar (database versions not stated): TOPMed below 0.00001.
gnomAD v4.1: 1 of 1,613,972 alleles (0.000062%); highest among the groups gnomAD compares: African/African-American, 0.0013%; no homozygotes.

Submissions (4):

Labcorp Genetics (formerly Invitae), Labcorp
Classification: Likely benign for Carney-Stratakis syndrome; Paragangliomas with sensorineural hearing loss; Pheochromocytoma; Cowden syndrome 3. Last evaluated: 2025-05-19. Review status: criteria provided, single submitter. Criteria: Invitae Variant Classification Sherloc (09022015). Collection method: clinical testing. Allele origin: germline.

Myriad Genetics, Inc.
Classification: Benign for Pheochromocytoma/paraganglioma syndrome 1. Last evaluated: 2025-03-17. Review status: criteria provided, single submitter. Criteria: Myriad Autosomal Dominant, Autosomal Recessive and X-Linked Classification Criteria (2023). Collection method: clinical testing. Allele origin: unknown.
Comment: This variant is considered benign. This variant is a silent/synonymous amino acid change and it is not expected to impact splicing.

All of Us Research Program, National Institutes of Health
Classification: Likely benign for Hereditary pheochromocytoma and paraganglioma. Last evaluated: 2023-12-01. Review status: criteria provided, single submitter. Criteria: ACMG Guidelines, 2015. Collection method: clinical testing. Allele origin: germline. Inheritance: Autosomal dominant inheritance. Observed: 1 variant allele, 1 heterozygote.
Comment: This study involves interpretation of variants in research participants for the purpose of population health screening. Participant phenotype was not available at the time of variant classification. Additional details can be found in publication PMID: 35346344, PMCID: PMC8962531

Ambry Genetics
Classification: Likely benign for Hereditary cancer-predisposing syndrome. Last evaluated: 2021-04-01. Review status: criteria provided, single submitter. Criteria: Ambry Variant Classification Scheme 2023. Collection method: clinical testing. Allele origin: germline.